The following is an entry in ClinVar:

ClinVar aggregate classification (germline): Uncertain significance (1 of 4 stars; one submission).

Conditions:
Cardiovascular phenotype. Identifiers: MedGen CN230736.

Submission:

Ambry Genetics
Classification: Uncertain significance for Cardiovascular phenotype. Last evaluated: 2020-10-02. Review status: criteria provided, single submitter. Criteria: Ambry Variant Classification Scheme 2023. Collection method: clinical testing. Allele origin: germline.
Comment: The c.832+3delT intronic variant, located in intron 9 of the TECRL gene, results from a deletion of one nucleotide within intron 9 of the TECRL gene. This nucleotide position is not well conserved in available vertebrate species. In silico splice site analysis predicts that this alteration will weaken the native splice donor site. Since supporting evidence is limited at this time, the clinical significance of this alteration remains unclear.

NM_001010874.5(TECRL):c.832+3del

Gene: TECRL (trans-2,3-enoyl-CoA reductase like; minus strand). Cytogenetic location: 4q13.1.
Variant type: Deletion.
Coding change: c.832+3del on transcript NM_001010874.5 (MANE Select); 3 bases into the intron after coding-DNA position 832, one base deleted (T; older notation c.832+3delT).
Molecular consequence: splice donor variant.
Genome position (GRCh38, 1-based): chr4:64,289,707, A deleted on the plus strand (T on the coding strand, the reverse complement: TECRL is on the minus strand); the first of 2 consecutive A bases (chr4:64,289,707-64,289,708); deleting either gives the same sequence. VCF-style (leftmost placement, unchanged base first): chr4-64289706-TA-T. GRCh37 (hg19) VCF-style: chr4-65155424-TA-T.
Other names: c.832+3del (NM_001363796.1).
Identifiers: ClinVar variation 1762928 (VCV001762928.2), dbSNP rs1226117795, ClinGen allele CA552141868.